The following is an entry in ClinVar:

NM_001376.5(DYNC1H1):c.3016-142C>T

Gene: DYNC1H1 (dynein cytoplasmic 1 heavy chain 1; plus strand). Cytogenetic location: 14q32.31.
Variant type: single nucleotide variant.
Coding change: c.3016-142C>T on transcript NM_001376.5 (MANE Select); 142 bases into the intron before coding-DNA position 3016, C replaced by T.
Molecular consequence: intron variant.
Genome position (GRCh38, 1-based): chr14:101,994,042, C>T. VCF-style: chr14-101994042-C-T. GRCh37 (hg19) VCF-style: chr14-102460379-C-T.
Identifiers: ClinVar variation 676612 (VCV000676612.1), dbSNP rs17540894, ClinGen allele CA266986737.

ClinVar aggregate classification (germline): Benign (1 of 4 stars; one submission).

Allele frequency attached by ClinVar (database versions not stated): gnomAD 0.02087 and 0.02247; TOPMed 0.02285; 1000 Genomes Project 0.02436; 1000 Genomes Project 30x 0.02623.
gnomAD v4.1: 5,235 of 1,140,540 alleles (0.46%); highest among the groups gnomAD compares: African/African-American, 7.1%; 176 homozygotes.

Submission:

GeneDx
Classification: Benign. Last evaluated: 2018-06-19. Review status: criteria provided, single submitter. Criteria: GeneDx Variant Classification (06012015). Collection method: clinical testing. Allele origin: germline. Affected: yes.
Comment: This variant is considered likely benign or benign based on one or more of the following criteria: it is a conservative change, it occurs at a poorly conserved position in the protein, it is predicted to be benign by multiple in silico algorithms, and/or has population frequency not consistent with disease.